The following is an entry in ClinVar:

ClinVar aggregate classification (germline): Uncertain significance (1 of 4 stars; one submission).

Conditions:
Microcephaly, normal intelligence and immunodeficiency (NBS). Also called: Nijmegen breakage syndrome; Microcephaly with normal intelligence immunodeficiency and lymphoreticular malignancies; Nonsyndromal microcephaly autosomal recessive with normal intelligence; Seemanova syndrome 2; Ataxia telangiectasia variant V1; SEEMANOVA SYNDROME II. Identifiers: Orphanet 647, MedGen C0398791, MONDO:0009623, OMIM 251260.

Submission:

Labcorp Genetics (formerly Invitae), Labcorp
Classification: Uncertain significance for Microcephaly, normal intelligence and immunodeficiency. Last evaluated: 2022-08-22. Review status: criteria provided, single submitter. Criteria: Invitae Variant Classification Sherloc (09022015). Collection method: clinical testing. Allele origin: germline.
Comment: This variant has not been reported in the literature in individuals affected with NBN-related conditions. This variant is not present in population databases (gnomAD no frequency). This sequence change replaces lysine, which is basic and polar, with asparagine, which is neutral and polar, at codon 3 of the NBN protein (p.Lys3Asn). Algorithms developed to predict the effect of missense changes on protein structure and function are either unavailable or do not agree on the potential impact of this missense change (SIFT: "Tolerated"; PolyPhen-2: "Possibly Damaging"; Align-GVGD: "Class C0"). In summary, the available evidence is currently insufficient to determine the role of this variant in disease. Therefore, it has been classified as a Variant of Uncertain Significance.

NM_002485.5(NBN):c.9A>C (p.Lys3Asn)

Gene: NBN (nibrin; minus strand). Cytogenetic location: 8q21.3.
Variant type: single nucleotide variant.
Coding change: c.9A>C on transcript NM_002485.5 (MANE Select); coding-DNA position 9, A replaced by C.
Protein change: p.Lys3Asn; replaces lysine 3 with asparagine.
Molecular consequence: missense variant. On other transcripts: 5 prime UTR variant (1).
Genome position (GRCh38, 1-based): chr8:89,984,553, T>G on the plus strand (A>C on the coding strand, the complement: NBN is on the minus strand). VCF-style: chr8-89984553-T-G. GRCh37 (hg19) VCF-style: chr8-90996781-T-G.
Other names: c.-288A>C (NM_001024688.3); short protein forms K3N.
Identifiers: ClinVar variation 1717626 (VCV001717626.5), dbSNP rs1586116169, ClinGen allele CA371664203.